The following is an entry in ClinVar:

ClinVar aggregate classification (germline): Pathogenic (1 of 4 stars; one submission).

Conditions:
Chuvash polycythemia. Also called: POLYCYTHEMIA, VHL-DEPENDENT. Identifiers: Orphanet 238557, MedGen C1837915, MONDO:0009892, OMIM 263400.
Von Hippel-Lindau syndrome (VHLS). Also called: von Hippel–Lindau syndrome; VHL syndrome; Von Hippel-Lindau. Identifiers: Orphanet 892, MedGen C0019562, MONDO:0008667, OMIM 193300. Disease mechanism: loss of function.

Submission:

Labcorp Genetics (formerly Invitae), Labcorp
Classification: Pathogenic for Von Hippel-Lindau syndrome; Chuvash polycythemia. Last evaluated: 2022-02-25. Review status: criteria provided, single submitter. Criteria: Invitae Variant Classification Sherloc (09022015). Collection method: clinical testing. Allele origin: germline.
Comment: ClinVar contains an entry for this variant (Variation ID: 526685). For these reasons, this variant has been classified as Pathogenic. This variant disrupts the p.Arg167 amino acid residue in VHL. Other variant(s) that disrupt this residue have been determined to be pathogenic (PMID: 7987306, 9829911, 19574279, 21463266, 22799452). This suggests that this residue is clinically significant, and that variants that disrupt this residue are likely to be disease-causing. Advanced modeling of protein sequence and biophysical properties (such as structural, functional, and spatial information, amino acid conservation, physicochemical variation, residue mobility, and thermodynamic stability) performed at Invitae indicates that this missense variant is expected to disrupt VHL protein function. This missense change has been observed in individuals with von Hippel-Lindau (VHL) syndrome (PMID: 21463266; Invitae). It has also been observed to segregate with disease in related individuals. This variant is not present in population databases (gnomAD no frequency). This sequence change replaces arginine, which is basic and polar, with leucine, which is neutral and non-polar, at codon 167 of the VHL protein (p.Arg167Leu).

Literature cited by the submitters: PubMed 7987306; PubMed 9829911; PubMed 19574279; PubMed 21463266; PubMed 22799452.

NM_000551.4(VHL):c.500G>T (p.Arg167Leu)

Genes: VHL (von Hippel-Lindau tumor suppressor; plus strand), LOC107303340 (3p25 von Hippel-Lindau tumor suppressor, E3 ubiquitin protein ligase Alu-mediated recombination region; plus strand). Cytogenetic location: 3p25.3.
Variant type: single nucleotide variant.
Coding change: c.500G>T on transcript NM_000551.4 (MANE Select); coding-DNA position 500, G replaced by T.
Protein change: p.Arg167Leu; replaces arginine 167 with leucine.
Molecular consequence: missense variant. On other transcripts: 3 prime UTR variant (1).
Genome position (GRCh38, 1-based): chr3:10,149,823, G>T. VCF-style: chr3-10149823-G-T. GRCh37 (hg19) VCF-style: chr3-10191507-G-T.
Other names: c.*54G>T (NM_001354723.2); c.377G>T, p.Arg126Leu (NM_198156.3); short protein forms R167L, R126L.
Identifiers: ClinVar variation 526685 (VCV000526685.7), dbSNP rs5030821, ClinGen allele CA351756178.